The following is an entry in ClinVar:

ClinVar aggregate classification (germline): Uncertain significance. Review status: criteria provided, multiple submitters, no conflicts (2 of 4 stars). 3 submissions from 3 submitters: Uncertain significance (3). Last evaluated 2024-04-28.

Conditions:
Bone mineral density quantitative trait locus 1 (BMND1). Identifiers: MedGen C1866079, OMIM 601884.
Exudative vitreoretinopathy 4 (EVR4). Identifiers: Orphanet 891, MedGen C1866176, MONDO:0011151, OMIM 601813.
Worth disease. Also called: ENDOSTEAL HYPEROSTOSIS, AUTOSOMAL DOMINANT; OSTEOSCLEROSIS, AUTOSOMAL DOMINANT; Autosomal dominant osteosclerosis, Worth type. Identifiers: Orphanet 2790, MedGen C0432273, MONDO:0007764, OMIM 144750.
Autosomal dominant osteopetrosis 1 (OPTA1). Also called: OSTEOPETROSIS, AUTOSOMAL DOMINANT, TYPE I. Identifiers: Orphanet 2783, MedGen C1843330, MONDO:0011877, OMIM 607634.
Osteoporosis with pseudoglioma (OPPG). Also called: osteoporosis-pseudoglioma syndrome. Identifiers: Orphanet 2788, MedGen C0432252, MONDO:0009820, OMIM 259770.
Polycystic liver disease 4 with or without kidney cysts. Identifiers: MedGen C4693479, MONDO:0044327, OMIM 617875.

Allele frequency attached by ClinVar (database versions not stated): ExAC 0.00001; gnomAD exomes 0.00001; TOPMed 0.00001; gnomAD 0.00002.
gnomAD v4.1: 11 of 1,614,058 alleles (0.00068%); highest among the groups gnomAD compares: East Asian, 0.0022%; no homozygotes.

Submissions (3):

Fulgent Genetics
Classification: Uncertain significance for Worth disease; Osteoporosis with pseudoglioma; Exudative vitreoretinopathy 4; Bone mineral density quantitative trait locus 1; Autosomal dominant osteopetrosis 1; Polycystic liver disease 4 with or without kidney cysts. Last evaluated: 2024-04-28. Review status: criteria provided, single submitter. Criteria: ACMG Guidelines, 2015. Collection method: clinical testing. Allele origin: germline.

Labcorp Genetics (formerly Invitae), Labcorp
Classification: Uncertain significance. Last evaluated: 2023-06-15. Review status: criteria provided, single submitter. Criteria: Invitae Variant Classification Sherloc (09022015). Collection method: clinical testing. Allele origin: germline.
Comment: In summary, the available evidence is currently insufficient to determine the role of this variant in disease. Therefore, it has been classified as a Variant of Uncertain Significance. Advanced modeling of protein sequence and biophysical properties (such as structural, functional, and spatial information, amino acid conservation, physicochemical variation, residue mobility, and thermodynamic stability) has been performed at Invitae for this missense variant, however the output from this modeling did not meet the statistical confidence thresholds required to predict the impact of this variant on LRP5 protein function. This variant has not been reported in the literature in individuals affected with LRP5-related conditions. This variant is present in population databases (rs763434689, gnomAD 0.006%). This sequence change replaces valine, which is neutral and non-polar, with methionine, which is neutral and non-polar, at codon 77 of the LRP5 protein (p.Val77Met).

Blueprint Genetics
Classification: Uncertain significance. Last evaluated: 2021-05-17. Review status: criteria provided, single submitter. Criteria: ACMG Guidelines, 2015. Collection method: clinical testing. Allele origin: germline.

NM_002335.4(LRP5):c.229G>A (p.Val77Met)

Gene: LRP5 (LDL receptor related protein 5; plus strand). Cytogenetic location: 11q13.2.
Variant type: single nucleotide variant.
Coding change: c.229G>A on transcript NM_002335.4 (MANE Select); coding-DNA position 229, G replaced by A.
Protein change: p.Val77Met; replaces valine 77 with methionine.
Molecular consequence: missense variant. On other transcripts: 5 prime UTR variant (1).
Genome position (GRCh38, 1-based): chr11:68,347,984, G>A. VCF-style: chr11-68347984-G-A. GRCh37 (hg19) VCF-style: chr11-68115452-G-A.
Other names: c.-1537G>A (NM_001291902.2); short protein forms V77M.
Identifiers: ClinVar variation 2716814 (VCV002716814.5), dbSNP rs763434689, ClinGen allele CA6148940.